The following is an entry in ClinVar:

ClinVar aggregate classification (germline): Conflicting classifications of pathogenicity. Review status: criteria provided, conflicting classifications (1 of 4 stars). 3 submissions from 3 submitters: Uncertain significance (2); Benign (1). Last evaluated 2025-09-14.

Conditions:
Dilated cardiomyopathy 1AA (CMD1AA). Also called: CARDIOMYOPATHY, DILATED, 1AA, WITH OR WITHOUT LEFT VENTRICULAR NONCOMPACTION; CARDIOMYOPATHY, FAMILIAL HYPERTROPHIC, 23, WITH OR WITHOUT LEFT VENTRICULAR NONCOMPACTION; Cardiomyopathy, dilated, 1AA, with or without LVNC. Identifiers: Orphanet 154, MedGen C2677338, MONDO:0012808, OMIM 612158.
Primary familial hypertrophic cardiomyopathy (HCM). Identifiers: Orphanet 99739, MedGen C0949658, MeSH D024741, MONDO:0024573. Inheritance: Various modes of inheritance.
Cardiovascular phenotype. Identifiers: MedGen CN230736.

Allele frequency attached by ClinVar (database versions not stated): gnomAD exomes below 0.00001; gnomAD 0.00001; ExAC 0.00002; TOPMed 0.00004; ESP Exome Variant Server 0.00015.
gnomAD v4.1: 6 of 1,614,010 alleles (0.00037%); highest among the groups gnomAD compares: African/African-American, 0.0027%; no homozygotes.

Submissions (3):

Labcorp Genetics (formerly Invitae), Labcorp
Classification: Benign for Primary familial hypertrophic cardiomyopathy; Dilated cardiomyopathy 1AA. Last evaluated: 2025-09-14. Review status: criteria provided, single submitter. Criteria: Invitae Variant Classification Sherloc (09022015). Collection method: clinical testing. Allele origin: germline.

Ambry Genetics
Classification: Uncertain significance for Cardiovascular phenotype. Last evaluated: 2022-12-12. Review status: criteria provided, single submitter. Criteria: Ambry Variant Classification Scheme 2023. Collection method: clinical testing. Allele origin: germline.
Comment: The p.I649T variant (also known as c.1946T>C), located in coding exon 16 of the ACTN2 gene, results from a T to C substitution at nucleotide position 1946. The isoleucine at codon 649 is replaced by threonine, an amino acid with similar properties. This amino acid position is not well conserved in available vertebrate species. In addition, the in silico prediction for this alteration is inconclusive. Since supporting evidence is limited at this time, the clinical significance of this alteration remains unclear.

GeneDx
Classification: Uncertain significance. Last evaluated: 2018-05-22. Review status: criteria provided, single submitter. Criteria: GeneDx Variant Classification (06012015). Collection method: clinical testing. Allele origin: germline. Affected: yes.
Comment: A variant of uncertain significance has been identified in the ACTN2 gene. The I649T variant has not been published as pathogenic or been reported as benign to our knowledge. This variant is observed in 2/246030 (0.0008%) alleles from individuals of multiple ethnic backgrounds in large population cohorts (Lek et al., 2016). The I649T variant is a non-conservative amino acid substitution, which is likely to impact secondary protein structure as these residues differ in polarity, charge, size and/or other properties. Finally, in-silico analyses, including protein predictors and evolutionary conservation, support a deleterious effect. Therefore, based on the currently available information, it is unclear whether this variant is pathogenic or rare benign

NM_001103.4(ACTN2):c.1946T>C (p.Ile649Thr)

Gene: ACTN2 (actinin alpha 2; plus strand). Cytogenetic location: 1q43.
Variant type: single nucleotide variant.
Coding change: c.1946T>C on transcript NM_001103.4 (MANE Select); coding-DNA position 1946, T replaced by C.
Protein change: p.Ile649Thr; replaces isoleucine 649 with threonine.
Molecular consequence: missense variant.
Genome position (GRCh38, 1-based): chr1:236,754,053, T>C. VCF-style: chr1-236754053-T-C. GRCh37 (hg19) VCF-style: chr1-236917353-T-C.
Other names: c.1946T>C, p.Ile649Thr (NM_001278343.2); c.1322T>C, p.Ile441Thr (NM_001278344.2); short protein forms I649T, I441T.
Identifiers: ClinVar variation 546130 (VCV000546130.14), dbSNP rs150825710, ClinGen allele CA1473288.